The following is an entry in ClinVar:

ClinVar aggregate classification (germline): Uncertain significance. Review status: criteria provided, multiple submitters, no conflicts (2 of 4 stars). 2 submissions from 2 submitters: Uncertain significance (2). Last evaluated 2023-12-06.

Allele frequency attached by ClinVar (database versions not stated): gnomAD exomes 0.00003 and 0.00004; ExAC 0.00004; gnomAD 0.00005 and 0.00006; ESP Exome Variant Server 0.00008; TOPMed 0.00009; 1000 Genomes Project 30x 0.00016; 1000 Genomes Project 0.00020.

Submissions (2):

Labcorp Genetics (formerly Invitae), Labcorp
Classification: Uncertain significance. Last evaluated: 2023-12-06. Review status: criteria provided, single submitter. Criteria: Invitae Variant Classification Sherloc (09022015). Collection method: clinical testing. Allele origin: germline.
Comment: This sequence change replaces arginine, which is basic and polar, with tryptophan, which is neutral and slightly polar, at codon 291 of the LAMC3 protein (p.Arg291Trp). This variant is present in population databases (rs376335879, gnomAD 0.02%). This variant has not been reported in the literature in individuals affected with LAMC3-related conditions. ClinVar contains an entry for this variant (Variation ID: 1359972). An algorithm developed to predict the effect of missense changes on protein structure and function (PolyPhen-2) suggests that this variant is likely to be disruptive. In summary, the available evidence is currently insufficient to determine the role of this variant in disease. Therefore, it has been classified as a Variant of Uncertain Significance.

GeneDx
Classification: Uncertain significance. Last evaluated: 2022-11-03. Review status: criteria provided, single submitter. Criteria: GeneDx Variant Classification Process June 2021. Collection method: clinical testing. Allele origin: germline. Affected: yes.
Comment: In silico analysis supports that this missense variant has a deleterious effect on protein structure/function; Has not been previously published as pathogenic or benign to our knowledge

NM_006059.4(LAMC3):c.871C>T (p.Arg291Trp)

Gene: LAMC3 (laminin subunit gamma 3; plus strand). Cytogenetic location: 9q34.12.
Variant type: single nucleotide variant.
Coding change: c.871C>T on transcript NM_006059.4 (MANE Select); coding-DNA position 871, C replaced by T.
Protein change: p.Arg291Trp; replaces arginine 291 with tryptophan.
Molecular consequence: missense variant.
Genome position (GRCh38, 1-based): chr9:131,036,227, C>T. VCF-style: chr9-131036227-C-T. GRCh37 (hg19) VCF-style: chr9-133911614-C-T.
Other names: short protein forms R291W.
Identifiers: ClinVar variation 1359972 (VCV001359972.5), dbSNP rs376335879, ClinGen allele CA5286854.
Genomic context (GRCh38, chr9:131,036,227, plus strand): 5'-TGCAAGTGCAACGGGCATGCCAGCGAGTGCGGCCCCGACGTGGCAGGCCAGTTGGCCTGC[C>T]GGTGCCAGCACAACACCACCGGCACAGACTGTGAGCGCTGCCTGCCCTTCTTCCAGGACC-3'
Protein context (NP_006050.3, residues 281-301): GPDVAGQLAC[Arg291Trp]CQHNTTGTDC